The following is an entry in ClinVar:

ClinVar aggregate classification (germline): Uncertain significance (1 of 4 stars; one submission).

Submission:

GeneDx
Classification: Uncertain significance. Last evaluated: 2026-03-05. Review status: criteria provided, single submitter. Criteria: GeneDx Variant Classification Process June 2021. Collection method: clinical testing. Allele origin: germline.
Comment: Not observed at significant frequency in large population cohorts (gnomAD); In silico analysis suggests that this missense variant does not alter protein structure/function; Has not been previously published as pathogenic or benign to our knowledge

NM_001846.4(COL4A2):c.4655G>A (p.Gly1552Asp)

Genes: COL4A2 (collagen type IV alpha 2 chain; plus strand), COL4A2-AS1 (COL4A2 antisense RNA 1; minus strand). Cytogenetic location: 13q34.
Variant type: single nucleotide variant.
Coding change: c.4655G>A on transcript NM_001846.4 (MANE Select); coding-DNA position 4655, G replaced by A.
Protein change: p.Gly1552Asp; replaces glycine 1552 with aspartic acid.
Molecular consequence: missense variant.
Genome position (GRCh38, 1-based): chr13:110,507,995, G>A. VCF-style: chr13-110507995-G-A. GRCh37 (hg19) VCF-style: chr13-111160342-G-A.
Other names: short protein forms G1552D.
Identifiers: ClinVar variation 5008355 (VCV005008355.1).